The following is an entry in ClinVar:

NM_003193.5(TBCE):c.661-1226T>C

Gene: TBCE (tubulin folding cofactor E; plus strand). Cytogenetic location: 1q42.3.
Variant type: single nucleotide variant.
Coding change: c.661-1226T>C on transcript NM_003193.5 (MANE Select); 1226 bases into the intron before coding-DNA position 661, T replaced by C.
Molecular consequence: intron variant. On other transcripts: synonymous variant (1).
Genome position (GRCh38, 1-based): chr1:235,432,978, T>C. VCF-style: chr1-235432978-T-C. GRCh37 (hg19) VCF-style: chr1-235596293-T-C.
Other names: c.693T>C, p.Gly231= (NM_001287801.2); c.661-1226T>C (NM_001079515.3); c.322-1226T>C (NM_001287802.2).
Identifiers: ClinVar variation 3257534 (VCV003257534.17).

ClinVar aggregate classification (germline): Likely benign (1 of 4 stars; one submission).

Submission:

CeGaT Center for Human Genetics Tuebingen
Classification: Likely benign. Last evaluated: 2024-07-01. Review status: criteria provided, single submitter. Criteria: CeGaT Center For Human Genetics Tuebingen Variant Classification Criteria Version 2. Collection method: clinical testing. Allele origin: germline. Affected: yes. Observed: 1 variant allele.
Comment: TBCE: PM2:Supporting, BP4, BP7